The following is an entry in ClinVar:

ClinVar aggregate classification (germline): Conflicting classifications of pathogenicity. Review status: criteria provided, conflicting classifications (1 of 4 stars). 2 submissions from 2 submitters: Uncertain significance (1); Likely benign (1). Last evaluated 2024-01-11.

Allele frequency attached by ClinVar (database versions not stated): gnomAD 0.00011; ExAC 0.00005; gnomAD exomes 0.00014; ESP Exome Variant Server 0.00023.
gnomAD v4.1: 216 of 1,614,090 alleles (0.013%); highest among the groups gnomAD compares: Non-Finnish European, 0.018%; no homozygotes.

Submissions (2):

Labcorp Genetics (formerly Invitae), Labcorp
Classification: Uncertain significance. Last evaluated: 2024-01-11. Review status: criteria provided, single submitter. Criteria: Invitae Variant Classification Sherloc (09022015). Collection method: clinical testing. Allele origin: germline.
Comment: This sequence change replaces valine, which is neutral and non-polar, with leucine, which is neutral and non-polar, at codon 147 of the CDC6 protein (p.Val147Leu). This variant is present in population databases (rs148004022, gnomAD 0.01%). This variant has not been reported in the literature in individuals affected with CDC6-related conditions. ClinVar contains an entry for this variant (Variation ID: 2049354). Algorithms developed to predict the effect of missense changes on protein structure and function output the following: SIFT: "Not Available"; PolyPhen-2: "Benign"; Align-GVGD: "Not Available". The leucine amino acid residue is found in multiple mammalian species, which suggests that this missense change does not adversely affect protein function. In summary, the available evidence is currently insufficient to determine the role of this variant in disease. Therefore, it has been classified as a Variant of Uncertain Significance.

Ambry Genetics
Classification: Likely benign. Last evaluated: 2023-05-31. Review status: criteria provided, single submitter. Criteria: Ambry Variant Classification Scheme 2023. Collection method: clinical testing. Allele origin: germline.

NM_001254.4(CDC6):c.439G>T (p.Val147Leu)

Gene: CDC6 (cell division cycle 6; plus strand). Cytogenetic location: 17q21.2.
Variant type: single nucleotide variant.
Coding change: c.439G>T on transcript NM_001254.4 (MANE Select); coding-DNA position 439, G replaced by T.
Protein change: p.Val147Leu; replaces valine 147 with leucine.
Molecular consequence: missense variant.
Genome position (GRCh38, 1-based): chr17:40,291,318, G>T. VCF-style: chr17-40291318-G-T. GRCh37 (hg19) VCF-style: chr17-38447570-G-T.
Other names: c.439G>T (NM_001254.3); short protein forms V147L.
Identifiers: ClinVar variation 2049354 (VCV002049354.6), dbSNP rs148004022, ClinGen allele CA8541873.